The following is an entry in ClinVar:

NM_002788.4(PSMA3):c.184G>A (p.Gly62Ser)

Gene: PSMA3 (proteasome 20S subunit alpha 3; plus strand). Cytogenetic location: 14q23.1.
Variant type: single nucleotide variant.
Coding change: c.184G>A on transcript NM_002788.4 (MANE Select); coding-DNA position 184, G replaced by A.
Protein change: p.Gly62Ser; replaces glycine 62 with serine.
Molecular consequence: missense variant. On other transcripts: non-coding transcript variant (1).
Genome position (GRCh38, 1-based): chr14:58,252,198, G>A. VCF-style: chr14-58252198-G-A. GRCh37 (hg19) VCF-style: chr14-58718916-G-A.
Other names: c.184G>A, p.Gly62Ser (NM_152132.3); c.184G>A (NM_002788.3); short protein forms G62S.
Identifiers: ClinVar variation 1400053 (VCV001400053.10), dbSNP rs968656732, ClinGen allele CA261597295.

ClinVar aggregate classification (germline): Uncertain significance. Review status: criteria provided, multiple submitters, no conflicts (2 of 4 stars). 3 submissions from 3 submitters: Uncertain significance (3). Last evaluated 2026-03-02.

gnomAD v4.1: 5 of 1,612,736 alleles (0.00031%); highest among the groups gnomAD compares: African/African-American, 0.0027%; no homozygotes.

Submissions (3):

Women's Health and Genetics/Laboratory Corporation of America, LabCorp
Classification: Uncertain significance. Last evaluated: 2026-03-02. Review status: criteria provided, single submitter. Criteria: LabCorp Variant Classification Summary - May 2015. Collection method: clinical testing. Allele origin: germline.
Comment: Variant summary: PSMA3 c.184G>A (p.Gly62Ser) results in a non-conservative amino acid change in the encoded protein sequence. Algorithms developed to predict the effect of missense changes on protein structure and function are either unavailable or do not agree on the potential impact of this missense change. The variant was absent in 249846 control chromosomes. The available data on variant occurrences in the general population are insufficient to allow any conclusion about variant significance. To our knowledge, no occurrence of c.184G>A in individuals affected with PSMA3-related conditions and no experimental evidence demonstrating its impact on protein function have been reported. ClinVar contains an entry for this variant (Variation ID: 1400053). Based on the evidence outlined above, the variant was classified as uncertain significance.

Ambry Genetics
Classification: Uncertain significance. Last evaluated: 2025-10-29. Review status: criteria provided, single submitter. Criteria: Ambry Variant Classification Scheme 2023. Collection method: clinical testing. Allele origin: germline.

Labcorp Genetics (formerly Invitae), Labcorp
Classification: Uncertain significance. Last evaluated: 2025-07-29. Review status: criteria provided, single submitter. Criteria: Invitae Variant Classification Sherloc (09022015). Collection method: clinical testing. Allele origin: germline.
Comment: This sequence change replaces glycine, which is neutral and non-polar, with serine, which is neutral and polar, at codon 62 of the PSMA3 protein (p.Gly62Ser). This variant is not present in population databases (gnomAD no frequency). This variant has not been reported in the literature in individuals affected with PSMA3-related conditions. ClinVar contains an entry for this variant (Variation ID: 1400053). An algorithm developed to predict the effect of missense changes on protein structure and function (PolyPhen-2) suggests that this variant is likely to be tolerated. In summary, the available evidence is currently insufficient to determine the role of this variant in disease. Therefore, it has been classified as a Variant of Uncertain Significance.